The following is an entry in ClinVar:

ClinVar aggregate classification (germline): Pathogenic (1 of 4 stars; one submission).

Submission:

Labcorp Genetics (formerly Invitae), Labcorp
Classification: Pathogenic. Last evaluated: 2022-07-19. Review status: criteria provided, single submitter. Criteria: Invitae Variant Classification Sherloc (09022015). Collection method: clinical testing. Allele origin: germline.
Comment: ClinVar contains an entry for this variant (Variation ID: 1457085). This variant has not been reported in the literature in individuals affected with CDHR1-related conditions. The frequency data for this variant in the population databases is considered unreliable, as metrics indicate poor data quality at this position in the gnomAD database. This sequence change creates a premature translational stop signal (p.Arg204Glyfs*63) in the CDHR1 gene. It is expected to result in an absent or disrupted protein product. Loss-of-function variants in CDHR1 are known to be pathogenic (PMID: 23044944, 23591405, 26103963, 26261414). For these reasons, this variant has been classified as Pathogenic.

Literature cited by the submitters: PubMed 23044944; PubMed 23591405; PubMed 26103963; PubMed 26261414.

NM_033100.4(CDHR1):c.610del (p.Arg204fs)

Gene: CDHR1 (cadherin related family member 1; plus strand). Cytogenetic location: 10q23.1.
Variant type: Deletion.
Coding change: c.610del on transcript NM_033100.4 (MANE Select); coding-DNA position 610, one base deleted (C; older notation c.610delC).
Protein change: p.Arg204fs; shifts the reading frame from arginine 204.
Molecular consequence: frameshift variant.
Genome position (GRCh38, 1-based): chr10:84,201,891, C deleted; the last of 3 consecutive C bases (chr10:84,201,889-84,201,891); deleting any one gives the same sequence. VCF-style (leftmost placement, unchanged base first): chr10-84201888-TC-T. GRCh37 (hg19) VCF-style: chr10-85961644-TC-T.
Other names: c.610del, p.Arg204fs (NM_001171971.3); short protein forms R204fs.
Identifiers: ClinVar variation 1457085 (VCV001457085.6), dbSNP rs1343744787, ClinGen allele CA594735693.
Genomic context (GRCh38, chr10:84,201,888, plus strand): 5'-GTGGACCGCCACAGCGGTGTGCTGCGCCTCCAGGCTGGGGCCACTCTGGACTACGAGAGG[TC>T]CCGGACCCACTACATCACCGTGGTCGCCAAGGTAACACAGCAGGACAGGGGAGCATCCAG-3'